The following is an entry in ClinVar:

ClinVar aggregate classification (germline): Pathogenic (1 of 4 stars; one submission).

Conditions:
Intellectual developmental disorder, autosomal dominant 1. Also called: Intellectual disability, autosomal dominant 1; MBD5 Haploinsufficiency. Identifiers: Orphanet 228402, MedGen C1969562, MONDO:0007974, OMIM 156200.

Submission:

Labcorp Genetics (formerly Invitae), Labcorp
Classification: Pathogenic for Intellectual developmental disorder, autosomal dominant 1. Last evaluated: 2022-02-05. Review status: criteria provided, single submitter. Criteria: Invitae Variant Classification Sherloc (09022015). Collection method: clinical testing. Allele origin: germline.
Comment: For these reasons, this variant has been classified as Pathogenic. This variant has not been reported in the literature in individuals affected with MBD5-related conditions. This variant is not present in population databases (gnomAD no frequency). This sequence change creates a premature translational stop signal (p.Lys1356Argfs*7) in the MBD5 gene. It is expected to result in an absent or disrupted protein product. Loss-of-function variants in MBD5 are known to be pathogenic (PMID: 23422940, 23587880).

Literature cited by the submitters: PubMed 23422940; PubMed 23587880.

NM_001378120.1(MBD5):c.4765_4766insGGCACACACA (p.Lys1589fs)

Gene: MBD5 (methyl-CpG binding domain protein 5; plus strand). Cytogenetic location: 2q23.1.
Variant type: Insertion.
Coding change: c.4765_4766insGGCACACACA on transcript NM_001378120.1 (MANE Select); coding-DNA positions 4765 to 4766, GGCACACACA inserted.
Protein change: p.Lys1589fs; shifts the reading frame from lysine 1589.
Molecular consequence: frameshift variant.
Genome position: GRCh38 VCF-style: chr2-148490396-T-TAGGCACACAC. GRCh37 (hg19) VCF-style: chr2-149247965-T-TAGGCACACAC.
Other names: c.4066_4067insGGCACACACA, p.Lys1356fs (NM_018328.5); short protein forms K1356fs, K1589fs.
Identifiers: ClinVar variation 2093465 (VCV002093465.4), dbSNP rs2470030083, ClinGen allele CA2580064056.